The following is an entry in ClinVar:

ClinVar aggregate classification (germline): Uncertain significance (1 of 4 stars; one submission).

Submission:

Labcorp Genetics (formerly Invitae), Labcorp
Classification: Uncertain significance. Last evaluated: 2022-10-17. Review status: criteria provided, single submitter. Criteria: Invitae Variant Classification Sherloc (09022015). Collection method: clinical testing. Allele origin: germline.
Comment: This sequence change replaces asparagine, which is neutral and polar, with lysine, which is basic and polar, at codon 418 of the PLEKHM2 protein (p.Asn418Lys). In summary, the available evidence is currently insufficient to determine the role of this variant in disease. Therefore, it has been classified as a Variant of Uncertain Significance. Algorithms developed to predict the effect of missense changes on protein structure and function (SIFT, PolyPhen-2, Align-GVGD) all suggest that this variant is likely to be tolerated. This variant has not been reported in the literature in individuals affected with PLEKHM2-related conditions. This variant is not present in population databases (gnomAD no frequency).

NM_015164.4(PLEKHM2):c.1254C>A (p.Asn418Lys)

Gene: PLEKHM2 (pleckstrin homology and RUN domain containing M2; plus strand). Cytogenetic location: 1p36.21.
Variant type: single nucleotide variant.
Coding change: c.1254C>A on transcript NM_015164.4 (MANE Select); coding-DNA position 1254, C replaced by A.
Protein change: p.Asn418Lys; replaces asparagine 418 with lysine.
Molecular consequence: missense variant.
Genome position (GRCh38, 1-based): chr1:15,727,326, C>A. VCF-style: chr1-15727326-C-A. GRCh37 (hg19) VCF-style: chr1-16053821-C-A.
Other names: c.1194C>A, p.Asn398Lys (NM_001410755.1); short protein forms N418K, N398K.
Identifiers: ClinVar variation 2112136 (VCV002112136.4), dbSNP rs759205632, ClinGen allele CA338586317.